The following is an entry in ClinVar:

ClinVar aggregate classification (germline): Uncertain significance (1 of 4 stars; one submission).

Submission:

Laboratory for Molecular Medicine, Mass General Brigham Personalized Medicine
Classification: Uncertain significance. Last evaluated: 2015-01-20. Review status: criteria provided, single submitter. Criteria: LMM Criteria. Collection method: clinical testing. Allele origin: germline. Observed: 1 variant allele.
Comment: The p.Pro32588Ala variant in TTN has not been previously reported in individuals with cardiomyopathy or in large population studies. Computational prediction to ols and conservation analysis suggest that the p.Pro32588Ala variant may impact the protein, though this information is not predictive enough to determine patho genicity. In summary, the clinical significance of the p.Pro32588Ala variant is uncertain.

NM_001267550.2(TTN):c.105466C>G (p.Pro35156Ala)

Genes: TTN (titin; minus strand), TTN-AS1 (TTN antisense RNA 1; plus strand). Cytogenetic location: 2q31.2.
Variant type: single nucleotide variant.
Coding change: c.105466C>G on transcript NM_001267550.2 (MANE Select); coding-DNA position 105466, C replaced by G.
Protein change: p.Pro35156Ala; replaces proline 35156 with alanine.
Molecular consequence: missense variant.
Genome position (GRCh38, 1-based): chr2:178,531,149, G>C on the plus strand (C>G on the coding strand, the complement: TTN is on the minus strand). VCF-style: chr2-178531149-G-C. GRCh37 (hg19) VCF-style: chr2-179395876-G-C.
Other names: c.97762C>G, p.Pro32588Ala (NM_133378.4); c.100543C>G, p.Pro33515Ala (NM_001256850.1); c.78271C>G, p.Pro26091Ala (NM_003319.4); c.78646C>G, p.Pro26216Ala (NM_133432.3); c.78847C>G, p.Pro26283Ala (NM_133437.4); short protein forms P32588A, P35156A, P26091A, P26283A, P26216A, P33515A.
Identifiers: ClinVar variation 229570 (VCV000229570.5), dbSNP rs876658100, ClinGen allele CA10576449.